The following is an entry in ClinVar:

ClinVar aggregate classification (germline): Benign. Review status: criteria provided, multiple submitters, no conflicts (2 of 4 stars). 2 submissions from 2 submitters: Benign (2). Last evaluated 2018-06-14.

Allele frequency attached by ClinVar (database versions not stated): 1000 Genomes Project 30x 0.54466; gnomAD 0.61238 and 0.61806; TOPMed 0.61506; 1000 Genomes Project 0.54313.
gnomAD v4.1: 968,581 of 1,465,210 alleles (66%); highest among the groups gnomAD compares: Non-Finnish European, 69%; 324,608 homozygotes.

Submissions (2):

GeneDx
Classification: Benign. Last evaluated: 2018-06-14. Review status: criteria provided, single submitter. Criteria: GeneDx Variant Classification (06012015). Collection method: clinical testing. Allele origin: germline. Affected: yes.
Comment: This variant is considered likely benign or benign based on one or more of the following criteria: it is a conservative change, it occurs at a poorly conserved position in the protein, it is predicted to be benign by multiple in silico algorithms, and/or has population frequency not consistent with disease.

Breakthrough Genomics
Classification: Benign. Review status: criteria provided, single submitter. Criteria: ACMG Guidelines, 2015. Collection method: not provided. Allele origin: germline. Inheritance: Autosomal recessive inheritance. Affected: yes.

NM_001034850.3(RETREG1):c.459-25317A>G

Gene: RETREG1 (reticulophagy regulator 1; minus strand). Cytogenetic location: 5p15.1.
Variant type: single nucleotide variant.
Coding change: c.459-25317A>G on transcript NM_001034850.3 (MANE Select); 25317 bases into the intron before coding-DNA position 459, A replaced by G.
Molecular consequence: intron variant. On other transcripts: 5 prime UTR variant (1).
Genome position (GRCh38, 1-based): chr5:16,508,789, T>C on the plus strand (A>G on the coding strand, the complement: RETREG1 is on the minus strand). VCF-style: chr5-16508789-T-C. GRCh37 (hg19) VCF-style: chr5-16508898-T-C.
Other names: c.-177A>G (NM_019000.5).
Identifiers: ClinVar variation 680138 (VCV000680138.2), dbSNP rs33684, ClinGen allele CA11921739.